The following is an entry in ClinVar:

ClinVar aggregate classification (germline): Benign/Likely benign. Review status: criteria provided, multiple submitters, no conflicts (2 of 4 stars). 5 submissions from 5 submitters: Benign (1); Likely benign (3). 1 of the submissions does not count toward it. Last evaluated 2025-12-08.

Conditions:
DNA2-related disorder. Also called: DNA2-related condition.

Allele frequency attached by ClinVar (database versions not stated): gnomAD exomes 0.00006 and 0.00010; ExAC 0.00013; ESP Exome Variant Server 0.00042; gnomAD 0.00045 and 0.00051; 1000 Genomes Project 30x 0.00047; TOPMed 0.00058; 1000 Genomes Project 0.00060.
gnomAD v4.1: 166 of 1,613,782 alleles (0.01%); highest among the groups gnomAD compares: African/African-American, 0.17%; no homozygotes.

Submissions (5):

Labcorp Genetics (formerly Invitae), Labcorp
Classification: Benign. Last evaluated: 2025-12-08. Review status: criteria provided, single submitter. Criteria: Invitae Variant Classification Sherloc (09022015). Collection method: clinical testing. Allele origin: germline.

CeGaT Center for Human Genetics Tuebingen
Classification: Likely benign. Last evaluated: 2025-09-01. Review status: criteria provided, single submitter. Criteria: CeGaT Center For Human Genetics Tuebingen Variant Classification Criteria Version 2. Collection method: clinical testing. Allele origin: germline. Affected: yes. Observed: 1 variant allele.
Comment: DNA2: BP4, BP7

Mayo Clinic Laboratories, Mayo Clinic
Classification: Likely benign. Last evaluated: 2025-07-31. Review status: criteria provided, single submitter. Criteria: ACMG Guidelines, 2015. Collection method: clinical testing. Allele origin: germline. Observed: 2 variant alleles.
Comment: BS1, BP4, BP7

GeneDx
Classification: Likely benign. Last evaluated: 2021-01-19. Review status: criteria provided, single submitter. Criteria: GeneDx Variant Classification Process June 2021. Collection method: clinical testing. Allele origin: germline. Affected: yes.

PreventionGenetics, part of Exact Sciences
Classification: Likely benign for DNA2-related condition. Last evaluated: 2019-07-25. Review status: no assertion criteria provided. Collection method: clinical testing. Allele origin: germline. Not counted in ClinVar's aggregate classification.
Comment: This variant is classified as likely benign based on ACMG/AMP sequence variant interpretation guidelines (Richards et al. 2015 PMID: 25741868, with internal and published modifications).

NM_001080449.3(DNA2):c.1476T>C (p.Cys492=)

Gene: DNA2 (DNA replication helicase/nuclease 2; minus strand). Cytogenetic location: 10q21.3.
Variant type: single nucleotide variant.
Coding change: c.1476T>C on transcript NM_001080449.3 (MANE Select); coding-DNA position 1476, T replaced by C.
Protein change: p.Cys492=; no amino-acid change (cysteine 492 retained).
Molecular consequence: synonymous variant. On other transcripts: non-coding transcript variant (1).
Genome position (GRCh38, 1-based): chr10:68,437,181, A>G on the plus strand (T>C on the coding strand, the complement: DNA2 is on the minus strand). VCF-style: chr10-68437181-A-G. GRCh37 (hg19) VCF-style: chr10-70196938-A-G.
Other names: p.Cys492=.
Identifiers: ClinVar variation 384257 (VCV000384257.60), dbSNP rs373089726, ClinGen allele CA5525059.